The following is an entry in ClinVar:

ClinVar aggregate classification (germline): Uncertain significance (1 of 4 stars; one submission).

Conditions:
Autosomal recessive severe congenital neutropenia due to JAGN1 deficiency. Also called: Severe congenital neutropenia 6, autosomal recessive. Identifiers: Orphanet 423384, MedGen C4014954, MONDO:0014456, OMIM 616022.

Submission:

Labcorp Genetics (formerly Invitae), Labcorp
Classification: Uncertain significance for Autosomal recessive severe congenital neutropenia due to JAGN1 deficiency. Last evaluated: 2022-06-27. Review status: criteria provided, single submitter. Criteria: Invitae Variant Classification Sherloc (09022015). Collection method: clinical testing. Allele origin: germline.
Comment: This sequence change replaces leucine, which is neutral and non-polar, with valine, which is neutral and non-polar, at codon 49 of the JAGN1 protein (p.Leu49Val). This variant is not present in population databases (gnomAD no frequency). This variant has not been reported in the literature in individuals affected with JAGN1-related conditions. Algorithms developed to predict the effect of missense changes on protein structure and function (SIFT, PolyPhen-2, Align-GVGD) all suggest that this variant is likely to be tolerated. In summary, the available evidence is currently insufficient to determine the role of this variant in disease. Therefore, it has been classified as a Variant of Uncertain Significance.

NM_032492.4(JAGN1):c.145C>G (p.Leu49Val)

Gene: JAGN1 (jagunal vesicle mediated transporter 1; plus strand). Cytogenetic location: 3p25.3.
Variant type: single nucleotide variant.
Coding change: c.145C>G on transcript NM_032492.4 (MANE Select); coding-DNA position 145, C replaced by G.
Protein change: p.Leu49Val; replaces leucine 49 with valine.
Molecular consequence: missense variant. On other transcripts: 5 prime UTR variant (1).
Genome position (GRCh38, 1-based): chr3:9,892,970, C>G. VCF-style: chr3-9892970-C-G. GRCh37 (hg19) VCF-style: chr3-9934654-C-G.
Other names: c.-18C>G (NM_001363890.1); short protein forms L49V.
Identifiers: ClinVar variation 1480106 (VCV001480106.8), dbSNP rs2125061097, ClinGen allele CA351714141.
Genomic context (GRCh38, chr3:9,892,970, plus strand): 5'-CACAGTGTGACTCTCAAGTATGAAATCAAGAAGCTGATCTACGTACATCTGGTCATATGG[C>G]TGCTGCTGGTTGCTAAGATGAGCGTGGGACACCTGAGGCTCTTGTCACATGATCAGGTGG-3'
Protein context (NP_115881.3, residues 39-59): KLIYVHLVIW[Leu49Val]LLVAKMSVGH